The following is an entry in ClinVar:

NC_000012.11:g.(?_110655829)_(110656031_?)dup

Gene: IFT81 (intraflagellar transport 81; plus strand). Cytogenetic location: 12q24.11.
Variant type: Duplication.
Identifiers: ClinVar variation 1444419 (VCV001444419.5).

ClinVar aggregate classification (germline): Uncertain significance (1 of 4 stars; one submission).

Submission:

Labcorp Genetics (formerly Invitae), Labcorp
Classification: Uncertain significance. Last evaluated: 2024-01-07. Review status: criteria provided, single submitter. Criteria: Invitae Variant Classification Sherloc (09022015). Collection method: clinical testing. Allele origin: germline.
Comment: This variant results in a copy number gain of the genomic region encompassing exon(s) 19 of the IFT81 gene. This region includes the termination codon of the gene. This copy number gain extends beyond the assayed region for this gene and therefore may encompass additional genes. As the precise location of this event is unknown, it may be in tandem or it may be located elsewhere in the genome. This variant has not been reported in the literature in individuals affected with IFT81-related conditions. Experimental studies and prediction algorithms are not available or were not evaluated, and the functional significance of this variant is currently unknown. In summary, the available evidence is currently insufficient to determine the role of this variant in disease. Therefore, it has been classified as a Variant of Uncertain Significance.